The following is an entry in ClinVar:

NM_004415.4(DSP):c.8390del (p.Ile2797fs)

Gene: DSP (desmoplakin; plus strand). Cytogenetic location: 6p24.3.
Variant type: Deletion.
Coding change: c.8390del on transcript NM_004415.4 (MANE Select); coding-DNA position 8390, one base deleted (T; older notation c.8390delT).
Protein change: p.Ile2797fs; shifts the reading frame from isoleucine 2797.
Molecular consequence: frameshift variant.
Genome position (GRCh38, 1-based): chr6:7,585,652, T deleted. VCF-style (leftmost placement, unchanged base first): chr6-7585651-AT-A. GRCh37 (hg19) VCF-style: chr6-7585884-AT-A.
Other names: c.6593del, p.Ile2198fs (NM_001008844.3); c.7061del, p.Ile2354fs (NM_001319034.2); short protein forms I2198fs, I2354fs, I2797fs.
Identifiers: ClinVar variation 2941140 (VCV002941140.3), dbSNP rs2533951504, ClinGen allele CA2740094268.

ClinVar aggregate classification (germline): Uncertain significance (1 of 4 stars; one submission).

Conditions:
Arrhythmogenic cardiomyopathy with wooly hair and keratoderma. Also called: PALMOPLANTAR KERATODERMA WITH LEFT VENTRICULAR CARDIOMYOPATHY AND WOOLLY HAIR; Carvajal syndrome; Dilated cardiomyopathy with woolly hair and keratoderma; Arrhythmogenic cardiomyopathy with woolly hair and keratoderma. Identifiers: Orphanet 65282, MedGen C1854063, MONDO:0011581, OMIM 605676.
Arrhythmogenic right ventricular dysplasia 8 (ARVD8). Also called: Arrhythmogenic Right Ventricular Dysplasia/Cardiomyopathy 8; ARRHYTHMOGENIC RIGHT VENTRICULAR DYSPLASIA, FAMILIAL, 8; ARRHYTHMOGENIC RIGHT VENTRICULAR CARDIOMYOPATHY 8. Identifiers: MedGen C1843896, MONDO:0011831, OMIM 607450.

Submission:

Labcorp Genetics (formerly Invitae), Labcorp
Classification: Uncertain significance for Arrhythmogenic cardiomyopathy with wooly hair and keratoderma; Arrhythmogenic right ventricular dysplasia 8. Last evaluated: 2022-10-30. Review status: criteria provided, single submitter. Criteria: Invitae Variant Classification Sherloc (09022015). Collection method: clinical testing. Allele origin: germline.
Comment: This sequence change results in a frameshift in the DSP gene (p.Ile2797Thrfs*86). While this is not anticipated to result in nonsense mediated decay, it is expected to disrupt the last 75 amino acid(s) of the DSP protein and extend the protein by 10 additional amino acid residues. This variant is not present in population databases (gnomAD no frequency). In summary, the available evidence is currently insufficient to determine the role of this variant in disease. Therefore, it has been classified as a Variant of Uncertain Significance. Experimental studies and prediction algorithms are not available or were not evaluated, and the functional significance of this variant is currently unknown. This variant has not been reported in the literature in individuals affected with DSP-related conditions.